The following is an entry in ClinVar:

NM_152468.5(TMC8):c.1192T>C (p.Cys398Arg)

Gene: TMC8 (transmembrane channel like 8; plus strand). Cytogenetic location: 17q25.3.
Variant type: single nucleotide variant.
Coding change: c.1192T>C on transcript NM_152468.5 (MANE Select); coding-DNA position 1192, T replaced by C.
Protein change: p.Cys398Arg; replaces cysteine 398 with arginine.
Molecular consequence: missense variant.
Genome position (GRCh38, 1-based): chr17:78,137,299, T>C. VCF-style: chr17-78137299-T-C. GRCh37 (hg19) VCF-style: chr17-76133380-T-C.
Other names: short protein forms C398R.
Identifiers: ClinVar variation 1994634 (VCV001994634.2), dbSNP rs2510806093, ClinGen allele CA401247705.
Genomic context (GRCh38, chr17:78,137,299, plus strand): 5'-GTGGTGCTGAAGCTGGCCAGCTTGGGGATGTTCTCCGTCTCCCTGGGTCAGACCATACTG[T>C]GCATTGGCAGAGACAAGAGCAGCTGTGAGTCCTACGGCTACAACGTTTGTGACTATCAGG-3'
Protein context (NP_689681.2, residues 388-408): FSVSLGQTIL[Cys398Arg]IGRDKSSCES

ClinVar aggregate classification (germline): Uncertain significance. Review status: criteria provided, multiple submitters, no conflicts (2 of 4 stars). 2 submissions from 2 submitters: Uncertain significance (2). Last evaluated 2025-05-21.

Conditions:
Epidermodysplasia verruciformis. Identifiers: Orphanet 302, MedGen C0014522, MONDO:0009176.
Inborn genetic diseases. Identifiers: MedGen C0950123, MeSH D030342.

Submissions (2):

Ambry Genetics
Classification: Uncertain significance for Inborn genetic diseases. Last evaluated: 2025-05-21. Review status: criteria provided, single submitter. Criteria: Ambry Variant Classification Scheme 2023. Collection method: clinical testing. Allele origin: germline.

Labcorp Genetics (formerly Invitae), Labcorp
Classification: Uncertain significance for Epidermodysplasia verruciformis. Last evaluated: 2022-05-15. Review status: criteria provided, single submitter. Criteria: Invitae Variant Classification Sherloc (09022015). Collection method: clinical testing. Allele origin: germline.
Comment: This sequence change replaces cysteine, which is neutral and slightly polar, with arginine, which is basic and polar, at codon 398 of the TMC8 protein (p.Cys398Arg). This variant is not present in population databases (gnomAD no frequency). This variant has not been reported in the literature in individuals affected with TMC8-related conditions. Algorithms developed to predict the effect of missense changes on protein structure and function are either unavailable or do not agree on the potential impact of this missense change (SIFT: "Deleterious"; PolyPhen-2: "Probably Damaging"; Align-GVGD: "Class C0"). In summary, the available evidence is currently insufficient to determine the role of this variant in disease. Therefore, it has been classified as a Variant of Uncertain Significance.